The following is an entry in ClinVar:

NM_181507.2(HPS5):c.23del (p.Pro8fs)

Gene: HPS5 (HPS5 biogenesis of lysosomal organelles complex 2 subunit 2; minus strand). Cytogenetic location: 11p15.1.
Variant type: Deletion.
Coding change: c.23del on transcript NM_181507.2 (MANE Select); coding-DNA position 23, one base deleted (C; older notation c.23delC).
Protein change: p.Pro8fs; shifts the reading frame from proline 8.
Molecular consequence: frameshift variant. On other transcripts: 5 prime UTR variant (3), intron variant (14).
Genome position (GRCh38, 1-based): chr11:18,317,836, G deleted on the plus strand (C on the coding strand, the reverse complement: HPS5 is on the minus strand); the first of 2 consecutive G bases (chr11:18,317,836-18,317,837); deleting either gives the same sequence. VCF-style (leftmost placement, unchanged base first): chr11-18317835-TG-T. GRCh37 (hg19) VCF-style: chr11-18339382-TG-T.
Other names: c.23del, p.Pro8fs (NM_001440902.1, NM_001440903.1, NM_001440904.1 and 9 more transcripts); c.-169del (NM_001440907.1, NM_001440908.1, NM_001440918.1); c.-124+4297del (NM_001440929.1); c.-235+4297del (NM_181508.2, NM_001440921.1); c.-124+4241del (NM_001440926.1); c.-235+4241del (NM_001440925.1, NM_001440920.1); c.-124+4110del (NM_001440928.1, NM_001440922.1); c.-235+4110del (NM_001440927.1, NM_001440930.1, NM_007216.4 and 2 more transcripts); and 1 more; short protein forms P8fs.
Identifiers: ClinVar variation 2859913 (VCV002859913.3), dbSNP rs2494336043, ClinGen allele CA2739276233.
Genomic context (GRCh38, chr11:18,317,835, plus strand): 5'-CAGGGCTGAGAGTAATGGATCCAGAGATTCAAACTCTGCAAGAACATGGCTGTAGGACTC[TG>T]GTATCACTGGCACAAAAGCCATTTAGCCAGAAAGCTGAAACTTGTTGAATGATAGATACA-3'

ClinVar aggregate classification (germline): Pathogenic (1 of 4 stars; one submission).

Submission:

Labcorp Genetics (formerly Invitae), Labcorp
Classification: Pathogenic. Last evaluated: 2023-04-28. Review status: criteria provided, single submitter. Criteria: Invitae Variant Classification Sherloc (09022015). Collection method: clinical testing. Allele origin: germline.
Comment: This variant has not been reported in the literature in individuals affected with HPS5-related conditions. This variant is not present in population databases (gnomAD no frequency). This sequence change creates a premature translational stop signal (p.Pro8Glnfs*28) in the HPS5 gene. It is expected to result in an absent or disrupted protein product. Loss-of-function variants in HPS5 are known to be pathogenic (PMID: 12548288, 15296495, 21833017, 26785811). For these reasons, this variant has been classified as Pathogenic.

Literature cited by the submitters: PubMed 12548288; PubMed 15296495; PubMed 21833017; PubMed 26785811.